The following is an entry in ClinVar:

ClinVar aggregate classification (germline): Uncertain significance (1 of 4 stars; one submission).

Conditions:
RASopathy. Also called: rasopathies; Noonan spectrum disorder. Identifiers: Orphanet 536391, MedGen C5555857, MONDO:0021060.

Submission:

Labcorp Genetics (formerly Invitae), Labcorp
Classification: Uncertain significance for RASopathy. Last evaluated: 2025-07-10. Review status: criteria provided, single submitter. Criteria: Invitae Variant Classification Sherloc (09022015). Collection method: clinical testing. Allele origin: germline.
Comment: This sequence change replaces glutamine, which is neutral and polar, with glutamic acid, which is acidic and polar, at codon 93 of the CBL protein (p.Gln93Glu). This variant is not present in population databases (gnomAD no frequency). This variant has not been reported in the literature in individuals affected with CBL-related conditions. Invitae Evidence Modeling of protein sequence and biophysical properties (such as structural, functional, and spatial information, amino acid conservation, physicochemical variation, residue mobility, and thermodynamic stability) indicates that this missense variant is not expected to disrupt CBL protein function with a negative predictive value of 95%. In summary, the available evidence is currently insufficient to determine the role of this variant in disease. Therefore, it has been classified as a Variant of Uncertain Significance.

NM_005188.4(CBL):c.277C>G (p.Gln93Glu)

Gene: CBL (Cbl proto-oncogene; plus strand). Cytogenetic location: 11q23.3.
Variant type: single nucleotide variant.
Coding change: c.277C>G on transcript NM_005188.4 (MANE Select); coding-DNA position 277, C replaced by G.
Protein change: p.Gln93Glu; replaces glutamine 93 with glutamic acid.
Molecular consequence: missense variant.
Genome position (GRCh38, 1-based): chr11:119,232,529, C>G. VCF-style: chr11-119232529-C-G. GRCh37 (hg19) VCF-style: chr11-119103239-C-G.
Other names: short protein forms Q93E.
Identifiers: ClinVar variation 4800597 (VCV004800597.1).